The following is an entry in ClinVar:

NM_004153.4(ORC1):c.2440C>T (p.Pro814Ser)

Gene: ORC1 (origin recognition complex subunit 1; minus strand). Cytogenetic location: 1p32.3.
Variant type: single nucleotide variant.
Coding change: c.2440C>T on transcript NM_004153.4 (MANE Select); coding-DNA position 2440, C replaced by T.
Protein change: p.Pro814Ser; replaces proline 814 with serine.
Molecular consequence: missense variant.
Genome position (GRCh38, 1-based): chr1:52,373,327, G>A on the plus strand (C>T on the coding strand, the complement: ORC1 is on the minus strand). VCF-style: chr1-52373327-G-A. GRCh37 (hg19) VCF-style: chr1-52838999-G-A.
Other names: c.2440C>T, p.Pro814Ser (NM_001190818.2); c.2425C>T, p.Pro809Ser (NM_001190819.2); short protein forms P809S, P814S.
Identifiers: ClinVar variation 1941123 (VCV001941123.5), dbSNP rs1176947954, ClinGen allele CA340344107.

ClinVar aggregate classification (germline): Uncertain significance (1 of 4 stars; one submission).

Allele frequency attached by ClinVar (database versions not stated): gnomAD exomes below 0.00001; gnomAD 0.00002.
gnomAD v4.1: 4 of 1,614,038 alleles (0.00025%); highest among the groups gnomAD compares: African/African-American, 0.0053%; no homozygotes.

Submission:

Labcorp Genetics (formerly Invitae), Labcorp
Classification: Uncertain significance. Last evaluated: 2022-06-20. Review status: criteria provided, single submitter. Criteria: Invitae Variant Classification Sherloc (09022015). Collection method: clinical testing. Allele origin: germline.
Comment: In summary, the available evidence is currently insufficient to determine the role of this variant in disease. Therefore, it has been classified as a Variant of Uncertain Significance. Algorithms developed to predict the effect of missense changes on protein structure and function are either unavailable or do not agree on the potential impact of this missense change (SIFT: "Tolerated"; PolyPhen-2: "Probably Damaging"; Align-GVGD: "Class C0"). This variant has not been reported in the literature in individuals affected with ORC1-related conditions. This variant is not present in population databases (gnomAD no frequency). This sequence change replaces proline, which is neutral and non-polar, with serine, which is neutral and polar, at codon 814 of the ORC1 protein (p.Pro814Ser).